The following is an entry in ClinVar:

ClinVar aggregate classification (germline): Conflicting classifications of pathogenicity. Review status: criteria provided, conflicting classifications (1 of 4 stars). 3 submissions from 3 submitters: Uncertain significance (1); Benign (1); Likely benign (1). Last evaluated 2026-02-03.

Conditions:
NOTCH1-related disorder. Also called: NOTCH1-related condition; NOTCH1-related disorders.
Adams-Oliver syndrome 5 (AOS5). Identifiers: Orphanet 974, MedGen C4014970, MONDO:0014459, OMIM 616028.
Familial thoracic aortic aneurysm and aortic dissection (TAAD). Also called: Thoracic aortic aneurysms and dissections. Identifiers: Orphanet 91387, MedGen C4707243, MONDO:0019625.

Allele frequency attached by ClinVar (database versions not stated): gnomAD 0.00003; TOPMed 0.00005.

Submissions (3):

Labcorp Genetics (formerly Invitae), Labcorp
Classification: Benign for Adams-Oliver syndrome 5. Last evaluated: 2026-02-03. Review status: criteria provided, single submitter. Criteria: Invitae Variant Classification Sherloc (09022015). Collection method: clinical testing. Allele origin: germline.

PreventionGenetics, part of Exact Sciences
Classification: Uncertain significance for NOTCH1-related condition. Last evaluated: 2025-06-12. Review status: criteria provided, single submitter. Criteria: ACMG Guidelines, 2015. Collection method: clinical testing. Allele origin: germline.
Comment: The NOTCH1 c.2725G>A variant is predicted to result in the amino acid substitution p.Asp909Asn. To our knowledge, this variant has not been reported in the literature. This variant is reported in 0.017% of alleles in individuals of East Asian descent in gnomAD. Although we suspect that this variant may be benign, at this time, the clinical significance of this variant is uncertain due to the absence of conclusive functional and genetic evidence.

Ambry Genetics
Classification: Likely benign for Familial thoracic aortic aneurysm and aortic dissection. Last evaluated: 2025-04-03. Review status: criteria provided, single submitter. Criteria: Ambry Variant Classification Scheme 2023. Collection method: clinical testing. Allele origin: germline.

NM_017617.5(NOTCH1):c.2725G>A (p.Asp909Asn)

Gene: NOTCH1 (notch receptor 1; minus strand). Cytogenetic location: 9q34.3.
Variant type: single nucleotide variant.
Coding change: c.2725G>A on transcript NM_017617.5 (MANE Select); coding-DNA position 2725, G replaced by A.
Protein change: p.Asp909Asn; replaces aspartic acid 909 with asparagine.
Molecular consequence: missense variant.
Genome position (GRCh38, 1-based): chr9:136,510,668, C>T on the plus strand (G>A on the coding strand, the complement: NOTCH1 is on the minus strand). VCF-style: chr9-136510668-C-T. GRCh37 (hg19) VCF-style: chr9-139405120-C-T.
Other names: c.2725G>A, p.Asp909Asn (LRG_1122t1); c.2725G>A (NM_017617.4); short protein forms D909N.
Identifiers: ClinVar variation 652730 (VCV000652730.13), dbSNP rs763217096, ClinGen allele CA5341192.
Genomic context (GRCh38, chr9:136,510,668, plus strand): 5'-GCCTGAGAGCTTCCTGGAGGAGGCCAGAGCCGCGGGGCTACTCACTGGGCCGGCAGTCGT[C>T]GATGTCGGTCTCGCAGTTGCGCCCACTGTAGCCGGCCTGGCAGTGGCAGCGGTAGCCGCC-3'
Protein context (NP_060087.3, residues 899-919): YSGRNCETDI[Asp909Asn]DCRPNPCHNG